The following is an entry in ClinVar:

NM_000143.4(FH):c.1269_1278del (p.Gly424fs)

Gene: FH (fumarate hydratase; minus strand). Cytogenetic location: 1q43.
Variant type: Deletion.
Coding change: c.1269_1278del on transcript NM_000143.4 (MANE Select); coding-DNA positions 1269 to 1278, 10 bases deleted (GGGGGATGCT; older notation c.1269_1278delGGGGGATGCT).
Protein change: p.Gly424fs; shifts the reading frame from glycine 424.
Molecular consequence: frameshift variant.
Genome position (GRCh38, 1-based): chr1:241,500,549-241,500,558, AGCATCCCCC deleted on the plus strand (GGGGGATGCT on the coding strand, the reverse complement: FH is on the minus strand); deleting any 10 consecutive bases within chr1:241,500,549-241,500,562 gives the same sequence; the c. name uses the placement nearest the transcript's 3' end. VCF-style (leftmost placement, unchanged base first): chr1-241500548-AAGCATCCCCC-A. GRCh37 (hg19) VCF-style: chr1-241663848-AAGCATCCCCC-A.
Other names: short protein forms G424fs.
Identifiers: ClinVar variation 2014983 (VCV002014983.4), dbSNP rs2527313091, ClinGen allele CA2580063458.

ClinVar aggregate classification (germline): Pathogenic (1 of 4 stars; one submission).

Submission:

Labcorp Genetics (formerly Invitae), Labcorp
Classification: Pathogenic. Last evaluated: 2022-07-08. Review status: criteria provided, single submitter. Criteria: Invitae Variant Classification Sherloc (09022015). Collection method: clinical testing. Allele origin: germline.
Comment: This sequence change creates a premature translational stop signal (p.Gly424Glnfs*22) in the FH gene. It is expected to result in an absent or disrupted protein product. Loss-of-function variants in FH are known to be pathogenic (PMID: 11865300, 21398687). This variant is not present in population databases (gnomAD no frequency). This variant has not been reported in the literature in individuals affected with FH-related conditions. Algorithms developed to predict the effect of sequence changes on RNA splicing suggest that this variant may create or strengthen a splice site. For these reasons, this variant has been classified as Pathogenic.

Literature cited by the submitters: PubMed 11865300; PubMed 21398687.